The following is an entry in ClinVar:

NM_000393.5(COL5A2):c.2584G>A (p.Glu862Lys)

Gene: COL5A2 (collagen type V alpha 2 chain; minus strand). Cytogenetic location: 2q32.2.
Variant type: single nucleotide variant.
Coding change: c.2584G>A on transcript NM_000393.5 (MANE Select); coding-DNA position 2584, G replaced by A.
Protein change: p.Glu862Lys; replaces glutamic acid 862 with lysine.
Molecular consequence: missense variant.
Genome position (GRCh38, 1-based): chr2:189,052,988, C>T on the plus strand (G>A on the coding strand, the complement: COL5A2 is on the minus strand). VCF-style: chr2-189052988-C-T. GRCh37 (hg19) VCF-style: chr2-189917714-C-T.
Other names: short protein forms E862K.
Identifiers: ClinVar variation 1004876 (VCV001004876.10), dbSNP rs1685823479, ClinGen allele CA349871277.

ClinVar aggregate classification (germline): Uncertain significance (1 of 4 stars; one submission).

Conditions:
Ehlers-Danlos syndrome, classic type, 1 (EDSCL1). Also called: EHLERS-DANLOS SYNDROME, GRAVIS TYPE; EHLERS-DANLOS SYNDROME, SEVERE CLASSIC TYPE; EDS I; Ehlers-Danlos Syndrome, Classic Type, COL5A1-Related; Ehlers-Danlos syndrome, type 1. Identifiers: MedGen C0268335, MONDO:0019567, OMIM 130000.

Allele frequency attached by ClinVar (database versions not stated): gnomAD exomes below 0.00001.
gnomAD v4.1: 1 of 1,614,104 alleles (0.000062%); highest among the groups gnomAD compares: Non-Finnish European, 0.000085%; no homozygotes.

Submission:

Labcorp Genetics (formerly Invitae), Labcorp
Classification: Uncertain significance for Ehlers-Danlos syndrome, classic type, 1. Last evaluated: 2020-08-25. Review status: criteria provided, single submitter. Criteria: Invitae Variant Classification Sherloc (09022015). Collection method: clinical testing. Allele origin: germline.
Comment: In summary, the available evidence is currently insufficient to determine the role of this variant in disease. Therefore, it has been classified as a Variant of Uncertain Significance. Advanced modeling of protein sequence and biophysical properties (such as structural, functional, and spatial information, amino acid conservation, physicochemical variation, residue mobility, and thermodynamic stability) performed at Invitae indicates that this missense variant is not expected to disrupt COL5A2 protein function. This variant has not been reported in the literature in individuals with COL5A2-related conditions. This variant is not present in population databases (ExAC no frequency). This sequence change replaces glutamic acid with lysine at codon 862 of the COL5A2 protein (p.Glu862Lys). The glutamic acid residue is highly conserved and there is a small physicochemical difference between glutamic acid and lysine.